The following is an entry in ClinVar:

NM_182643.3(DLC1):c.4151G>A (p.Arg1384His)

Gene: DLC1 (DLC1 Rho GTPase activating protein; minus strand). Cytogenetic location: 8p22.
Variant type: single nucleotide variant.
Coding change: c.4151G>A on transcript NM_182643.3 (MANE Select); coding-DNA position 4151, G replaced by A.
Protein change: p.Arg1384His; replaces arginine 1384 with histidine.
Molecular consequence: missense variant.
Genome position (GRCh38, 1-based): chr8:13,088,628, C>T on the plus strand (G>A on the coding strand, the complement: DLC1 is on the minus strand). VCF-style: chr8-13088628-C-T. GRCh37 (hg19) VCF-style: chr8-12946137-C-T.
Other names: c.2618G>A, p.Arg873His (NM_001164271.2, NM_001348082.2, NM_001348083.1 and 1 more transcripts); c.2942G>A, p.Arg981His (NM_001316668.2); c.4151G>A, p.Arg1384His (NM_001348081.2); c.2840G>A, p.Arg947His (NM_006094.5); short protein forms R1384H, R873H, R947H, R981H.
Identifiers: ClinVar variation 422632 (VCV000422632.2), dbSNP rs756715684, ClinGen allele CA4638008.
Genomic context (GRCh38, chr8:13,088,628, plus strand): 5'-ATTTCGATCACTTTTGAATCCAACAGGTCTACATCCCAGAGGTGCTGTTCTTTAAGTAGG[C>T]GCTTTAAGATTTCCTCTGGCACAGCAGGGACTTCAATGACTGACCTCCAAAGCCTCAGAG-3'
Protein context (NP_872584.2, residues 1374-1394): VPAVPEEILK[Arg1384His]LLKEQHLWDV

ClinVar aggregate classification (germline): Uncertain significance (1 of 4 stars; one submission).

Allele frequency attached by ClinVar (database versions not stated): ExAC 0.00001; gnomAD exomes 0.00001.
gnomAD v4.1: 10 of 1,614,104 alleles (0.00062%); highest among the groups gnomAD compares: Middle Eastern, 0.016%; no homozygotes.

Submission:

GeneDx
Classification: Uncertain significance. Last evaluated: 2016-11-08. Review status: criteria provided, single submitter. Criteria: GeneDx Variant Classification (06012015). Collection method: clinical testing. Allele origin: germline. Affected: yes.
Comment: The R1384H variant in the DLC1 gene has not been reported previously as a pathogenic variant, nor as a benign variant, to our knowledge. The R1384H variant was not observed in approximately 6,500 individuals of European and African American ancestry in the NHLBI Exome Sequencing Project, indicating it is not a common benign variant in these populations. The R1384H variant is a conservative amino acid substitution, which is not likely to impact secondary protein structure as these residues share similar properties. This substitution occurs at a position that is conserved across species. In silico analysis predicts this variant is probably damaging to the protein structure/function. We interpret R1384H as a variant of uncertain significance.